The following is an entry in ClinVar:

NM_182961.4(SYNE1):c.869C>G (p.Thr290Ser)

Gene: SYNE1 (spectrin repeat containing nuclear envelope protein 1; minus strand). Cytogenetic location: 6q25.2.
Variant type: single nucleotide variant.
Coding change: c.869C>G on transcript NM_182961.4 (MANE Select); coding-DNA position 869, C replaced by G.
Protein change: p.Thr290Ser; replaces threonine 290 with serine.
Molecular consequence: missense variant.
Genome position (GRCh38, 1-based): chr6:152,502,652, G>C on the plus strand (C>G on the coding strand, the complement: SYNE1 is on the minus strand). VCF-style: chr6-152502652-G-C. GRCh37 (hg19) VCF-style: chr6-152823787-G-C.
Other names: c.890C>G, p.Thr297Ser (NM_033071.5); short protein forms T290S, T297S.
Identifiers: ClinVar variation 2684065 (VCV002684065.2), dbSNP rs1409950017, ClinGen allele CA366147896.

ClinVar aggregate classification (germline): Uncertain significance. Review status: criteria provided, multiple submitters, no conflicts (2 of 4 stars). 2 submissions from 2 submitters: Uncertain significance (2). Last evaluated 2025-05-22.

Allele frequency attached by ClinVar (database versions not stated): gnomAD exomes 0.00002; gnomAD 0.00001.
gnomAD v4.1: 26 of 1,613,348 alleles (0.0016%); highest among the groups gnomAD compares: Non-Finnish European, 0.0021%; no homozygotes.

Submissions (2):

Revvity Omics, Revvity
Classification: Uncertain significance. Last evaluated: 2025-05-22. Review status: criteria provided, single submitter. Criteria: ACMG Guidelines, 2015. Collection method: clinical testing. Allele origin: germline.

Athena Diagnostics
Classification: Uncertain significance. Last evaluated: 2023-09-01. Review status: criteria provided, single submitter. Criteria: Athena Diagnostics Criteria. Collection method: clinical testing. Allele origin: unknown.
Comment: Available data are insufficient to determine the clinical significance of the variant at this time. The frequency of this variant in the general population is uninformative in assessment of its pathogenicity. Computational tools predict that this variant is not damaging.